The following is an entry in ClinVar:

NM_004958.4(MTOR):c.6235A>G (p.Met2079Val)

Gene: MTOR (mechanistic target of rapamycin kinase; minus strand). Cytogenetic location: 1p36.22.
Variant type: single nucleotide variant.
Coding change: c.6235A>G on transcript NM_004958.4 (MANE Select); coding-DNA position 6235, A replaced by G.
Protein change: p.Met2079Val; replaces methionine 2079 with valine.
Molecular consequence: missense variant.
Genome position (GRCh38, 1-based): chr1:11,127,126, T>C on the plus strand (A>G on the coding strand, the complement: MTOR is on the minus strand). VCF-style: chr1-11127126-T-C. GRCh37 (hg19) VCF-style: chr1-11187183-T-C.
Other names: c.6235A>G, p.Met2079Val (NM_001386500.1); c.4987A>G, p.Met1663Val (NM_001386501.1); short protein forms M2079V, M1663V.
Identifiers: ClinVar variation 2807066 (VCV002807066.3), dbSNP rs773938354, ClinGen allele CA338392402.

ClinVar aggregate classification (germline): Uncertain significance (1 of 4 stars; one submission).

gnomAD v4.1: 6 of 1,614,200 alleles (0.00037%); highest among the groups gnomAD compares: Non-Finnish European, 0.00051%; no homozygotes.

Submission:

Labcorp Genetics (formerly Invitae), Labcorp
Classification: Uncertain significance. Last evaluated: 2023-09-27. Review status: criteria provided, single submitter. Criteria: Invitae Variant Classification Sherloc (09022015). Collection method: clinical testing. Allele origin: germline.
Comment: In summary, the available evidence is currently insufficient to determine the role of this variant in disease. Therefore, it has been classified as a Variant of Uncertain Significance. Advanced modeling of protein sequence and biophysical properties (such as structural, functional, and spatial information, amino acid conservation, physicochemical variation, residue mobility, and thermodynamic stability) performed at Invitae indicates that this missense variant is not expected to disrupt MTOR protein function. This variant has not been reported in the literature in individuals affected with MTOR-related conditions. This variant is not present in population databases (gnomAD no frequency). This sequence change replaces methionine, which is neutral and non-polar, with valine, which is neutral and non-polar, at codon 2079 of the MTOR protein (p.Met2079Val).